The following is an entry in ClinVar:

ClinVar aggregate classification (germline): Pathogenic (1 of 4 stars; one submission).

gnomAD v4.1: 12 of 1,613,978 alleles (0.00074%); highest among the groups gnomAD compares: Non-Finnish European, 0.001%; no homozygotes.

Submission:

Labcorp Genetics (formerly Invitae), Labcorp
Classification: Pathogenic. Last evaluated: 2024-10-23. Review status: criteria provided, single submitter. Criteria: Invitae Variant Classification Sherloc (09022015). Collection method: clinical testing. Allele origin: germline.
Comment: This sequence change creates a premature translational stop signal (p.Arg34*) in the APOA1 gene. It is expected to result in an absent or disrupted protein product. Loss-of-function variants in APOA1 are known to be pathogenic (PMID: 7583566, 7981179, 8282791). This variant is not present in population databases (gnomAD no frequency). This premature translational stop signal has been observed in individual(s) with APOA1 deficiency (PMID: 21122686, 26255038). This variant is also known as p.R10X. ClinVar contains an entry for this variant (Variation ID: 2137256). For these reasons, this variant has been classified as Pathogenic.

Literature cited by the submitters: PubMed 7583566; PubMed 7981179; PubMed 8282791; PubMed 21122686; PubMed 26255038.

NM_000039.3(APOA1):c.100C>T (p.Arg34Ter)

Genes: APOA1 (apolipoprotein A1; minus strand), APOA1-AS (APOA1 antisense RNA; plus strand). Cytogenetic location: 11q23.3.
Variant type: single nucleotide variant.
Coding change: c.100C>T on transcript NM_000039.3 (MANE Select); coding-DNA position 100, C replaced by T.
Protein change: p.Arg34Ter; replaces arginine 34 with a stop codon.
Molecular consequence: nonsense.
Genome position (GRCh38, 1-based): chr11:116,837,101, G>A on the plus strand (C>T on the coding strand, the complement: APOA1 is on the minus strand). VCF-style: chr11-116837101-G-A. GRCh37 (hg19) VCF-style: chr11-116707817-G-A.
Other names: c.100C>T, p.Arg34Ter (NM_001318017.2, NM_001318018.2); c.-228C>T (NM_001318021.2); short protein forms R34*.
Identifiers: ClinVar variation 2137256 (VCV002137256.4), dbSNP rs1373700967, ClinGen allele CA382720980.